The following is an entry in ClinVar:

NM_000548.5(TSC2):c.1978A>G (p.Ser660Gly)

Gene: TSC2 (TSC complex subunit 2; plus strand). Cytogenetic location: 16p13.3.
Variant type: single nucleotide variant.
Coding change: c.1978A>G on transcript NM_000548.5 (MANE Select); coding-DNA position 1978, A replaced by G.
Protein change: p.Ser660Gly; replaces serine 660 with glycine.
Molecular consequence: missense variant.
Genome position (GRCh38, 1-based): chr16:2,071,815, A>G. VCF-style: chr16-2071815-A-G. GRCh37 (hg19) VCF-style: chr16-2121816-A-G.
Other names: c.634A>G, p.Ser212Gly (NM_001406692.1, NM_001406693.1, NM_001406694.1 and 6 more transcripts); c.376A>G, p.Ser126Gly (NM_001406698.1); c.1978A>G, p.Ser660Gly (NM_021055.3, NM_001363528.2, NM_001370404.1 and 6 more transcripts); c.2011A>G, p.Ser671Gly (NM_001318832.2); c.2068A>G, p.Ser690Gly (NM_001406667.1, NM_001406668.1); c.1867A>G, p.Ser623Gly (NM_001406670.1, NM_001318827.2, NM_001406678.1); c.1378A>G, p.Ser460Gly (NM_001406682.1, NM_001406683.1, NM_001406684.1 and 6 more transcripts); c.1831A>G, p.Ser611Gly (NM_001318829.2, NM_001406675.1, NM_001406676.1 and 1 more transcripts); and 3 more; short protein forms S690G, S212G, S460G, S641G, S506G, S611G, S623G, S656G.
Identifiers: ClinVar variation 2179574 (VCV002179574.4), dbSNP rs200923172, ClinGen allele CA035386.

ClinVar aggregate classification (germline): Uncertain significance (1 of 4 stars; one submission).

Conditions:
Tuberous sclerosis 2 (TSC2). Identifiers: Orphanet 805, MedGen C1860707, MONDO:0013199, OMIM 613254.

Allele frequency attached by ClinVar (database versions not stated): gnomAD 0.00001; 1000 Genomes Project 0.00020; 1000 Genomes Project 30x 0.00031.

Submission:

Labcorp Genetics (formerly Invitae), Labcorp
Classification: Uncertain significance for Tuberous sclerosis 2. Last evaluated: 2025-07-29. Review status: criteria provided, single submitter. Criteria: Invitae Variant Classification Sherloc (09022015). Collection method: clinical testing. Allele origin: germline.
Comment: This sequence change replaces serine, which is neutral and polar, with glycine, which is neutral and non-polar, at codon 660 of the TSC2 protein (p.Ser660Gly). This variant is not present in population databases (gnomAD no frequency). This variant has not been reported in the literature in individuals affected with TSC2-related conditions. ClinVar contains an entry for this variant (Variation ID: 2179574). Invitae Evidence Modeling of protein sequence and biophysical properties (such as structural, functional, and spatial information, amino acid conservation, physicochemical variation, residue mobility, and thermodynamic stability) indicates that this missense variant is not expected to disrupt TSC2 protein function with a negative predictive value of 95%. In summary, the available evidence is currently insufficient to determine the role of this variant in disease. Therefore, it has been classified as a Variant of Uncertain Significance.